The following is an entry in ClinVar:

NM_003072.5(SMARCA4):c.604A>T (p.Met202Leu)

Gene: SMARCA4 (SWI/SNF related BAF chromatin remodeling complex subunit ATPase 4; plus strand). Cytogenetic location: 19p13.2.
Variant type: single nucleotide variant.
Coding change: c.604A>T on transcript NM_003072.5 (MANE Select); coding-DNA position 604, A replaced by T.
Protein change: p.Met202Leu; replaces methionine 202 with leucine.
Molecular consequence: missense variant. On other transcripts: non-coding transcript variant (1).
Genome position (GRCh38, 1-based): chr19:10,986,437, A>T. VCF-style: chr19-10986437-A-T. GRCh37 (hg19) VCF-style: chr19-11097113-A-T.
Other names: c.604A>T, p.Met202Leu (NM_001128844.3, NM_001128845.2, NM_001128846.2 and 6 more transcripts); short protein forms M202L.
Identifiers: ClinVar variation 3958462 (VCV003958462.5).

ClinVar aggregate classification (germline): Uncertain significance. Review status: criteria provided, multiple submitters, no conflicts (2 of 4 stars). 2 submissions from 2 submitters: Uncertain significance (2). Last evaluated 2026-03-01.

Conditions:
Hereditary cancer-predisposing syndrome. Also called: Neoplastic Syndromes, Hereditary; Tumor predisposition; Hereditary Cancer Syndrome; Hereditary neoplastic syndrome. Identifiers: Orphanet 140162, MedGen C0027672, MeSH D009386, MONDO:0015356.

Submissions (2):

CeGaT Center for Human Genetics Tuebingen
Classification: Uncertain significance. Last evaluated: 2026-03-01. Review status: criteria provided, single submitter. Criteria: CeGaT Center For Human Genetics Tuebingen Variant Classification Criteria Version 2. Collection method: clinical testing. Allele origin: germline. Affected: yes. Observed: 1 variant allele.
Comment: SMARCA4: PM2, PP2

Ambry Genetics
Classification: Uncertain significance for Hereditary cancer-predisposing syndrome. Last evaluated: 2025-05-11. Review status: criteria provided, single submitter. Criteria: Ambry Variant Classification Scheme 2023. Collection method: clinical testing. Allele origin: germline.
Comment: The p.M202L variant (also known as c.604A>T), located in coding exon 3 of the SMARCA4 gene, results from an A to T substitution at nucleotide position 604. The methionine at codon 202 is replaced by leucine, an amino acid with highly similar properties. This amino acid position is conserved. In addition, the in silico prediction for this alteration is inconclusive. Based on the available evidence, the clinical significance of this variant remains unclear.